The following is an entry in ClinVar:

NM_000038.6(APC):c.7197A>G (p.Lys2399=)

Gene: APC (APC regulator of Wnt signaling pathway; plus strand). Cytogenetic location: 5q22.2.
Variant type: single nucleotide variant.
Coding change: c.7197A>G on transcript NM_000038.6 (MANE Select); coding-DNA position 7197, A replaced by G.
Protein change: p.Lys2399=; no amino-acid change (lysine 2399 retained).
Molecular consequence: synonymous variant. On other transcripts: non-coding transcript variant (2).
Genome position (GRCh38, 1-based): chr5:112,842,791, A>G. VCF-style: chr5-112842791-A-G. GRCh37 (hg19) VCF-style: chr5-112178488-A-G.
Other names: c.7197A>G, p.Lys2399= (NM_001127510.3, NM_001354895.2, NM_001407450.1); c.7143A>G, p.Lys2381= (NM_001127511.3); c.7251A>G, p.Lys2417= (NM_001354896.2, NM_001407447.1, NM_001407448.1 and 1 more transcripts); c.7227A>G, p.Lys2409= (NM_001354897.2); c.7122A>G, p.Lys2374= (NM_001354898.2); c.7113A>G, p.Lys2371= (NM_001354899.2); c.7074A>G, p.Lys2358= (NM_001354900.2); c.7020A>G, p.Lys2340= (NM_001354901.2, NM_001407453.1); and 11 more.
Identifiers: ClinVar variation 2196301 (VCV002196301.6), dbSNP rs1580679717, ClinGen allele CA446210190.

ClinVar aggregate classification (germline): Benign/Likely benign. Review status: criteria provided, multiple submitters, no conflicts (2 of 4 stars). 3 submissions from 3 submitters: Benign (1); Likely benign (2). Last evaluated 2025-03-09.

Conditions:
Hereditary cancer-predisposing syndrome. Also called: Hereditary neoplastic syndrome; Neoplastic Syndromes, Hereditary; Hereditary Cancer Syndrome; Tumor predisposition. Identifiers: Orphanet 140162, MedGen C0027672, MeSH D009386, MONDO:0015356.
Familial adenomatous polyposis 1 (FAP1). Also called: POLYPOSIS, ADENOMATOUS INTESTINAL; FAMILIAL ADENOMATOUS POLYPOSIS 1, ATTENUATED. Identifiers: MedGen C2713442, MONDO:0021056, OMIM 175100. Disease mechanism: loss of function.

Allele frequency attached by ClinVar (database versions not stated): TOPMed below 0.00001.

Submissions (3):

Labcorp Genetics (formerly Invitae), Labcorp
Classification: Likely benign for Familial adenomatous polyposis 1. Last evaluated: 2025-03-09. Review status: criteria provided, single submitter. Criteria: Invitae Variant Classification Sherloc (09022015). Collection method: clinical testing. Allele origin: germline.

Myriad Genetics, Inc.
Classification: Benign for Familial adenomatous polyposis 1. Last evaluated: 2024-04-09. Review status: criteria provided, single submitter. Criteria: Myriad Autosomal Dominant, Autosomal Recessive and X-Linked Classification Criteria (2023). Collection method: clinical testing. Allele origin: unknown.
Comment: This variant is considered benign. This variant is a silent/synonymous amino acid change and it is not expected to impact splicing.

Color Diagnostics, LLC DBA Color Health
Classification: Likely benign for Hereditary cancer-predisposing syndrome. Last evaluated: 2023-12-11. Review status: criteria provided, single submitter. Criteria: ACMG Guidelines, 2015. Collection method: clinical testing. Allele origin: germline.